The following is an entry in ClinVar:

ClinVar aggregate classification (germline): Uncertain significance (1 of 4 stars; one submission).

Allele frequency attached by ClinVar (database versions not stated): gnomAD 0.00001; gnomAD exomes 0.00001 and 0.00003; ExAC 0.00002; 1000 Genomes Project 0.00020.
gnomAD v4.1: 41 of 1,611,442 alleles (0.0025%); highest among the groups gnomAD compares: Non-Finnish European, 0.0034%; no homozygotes.

Submission:

Labcorp Genetics (formerly Invitae), Labcorp
Classification: Uncertain significance. Last evaluated: 2025-12-08. Review status: criteria provided, single submitter. Criteria: Invitae Variant Classification Sherloc (09022015). Collection method: clinical testing. Allele origin: germline.
Comment: This sequence change replaces alanine, which is neutral and non-polar, with threonine, which is neutral and polar, at codon 311 of the CD46 protein (p.Ala311Thr). This variant is present in population databases (rs200872543, gnomAD 0.007%). This variant has not been reported in the literature in individuals affected with CD46-related conditions. ClinVar contains an entry for this variant (Variation ID: 1463187). An algorithm developed to predict the effect of missense changes on protein structure and function outputs the following: PolyPhen-2: "Benign". The threonine amino acid residue is found in multiple mammalian species, which suggests that this missense change does not adversely affect protein function. In summary, the available evidence is currently insufficient to determine the role of this variant in disease. Therefore, it has been classified as a Variant of Uncertain Significance.

NM_172351.3(CD46):c.886G>A (p.Ala296Thr)

Gene: CD46 (CD46 molecule; plus strand). Cytogenetic location: 1q32.2.
Variant type: single nucleotide variant.
Coding change: c.886G>A on transcript NM_172351.3 (MANE Select); coding-DNA position 886, G replaced by A.
Protein change: p.Ala296Thr; replaces alanine 296 with threonine.
Molecular consequence: missense variant. On other transcripts: intron variant (5).
Genome position (GRCh38, 1-based): chr1:207,767,808, G>A. VCF-style: chr1-207767808-G-A. GRCh37 (hg19) VCF-style: chr1-207941153-G-A.
Other names: c.931G>A, p.Ala311Thr (NM_002389.4, NM_172359.3); c.886G>A, p.Ala296Thr (NM_153826.4, NM_172355.3, NM_172356.3 and 1 more transcripts); c.856+613G>A (NM_172352.3, NM_172353.3, NM_172350.3 and 2 more transcripts); short protein forms A311T, A296T.
Identifiers: ClinVar variation 1463187 (VCV001463187.8), dbSNP rs200872543, ClinGen allele CA1371798.